The following is an entry in ClinVar:

ClinVar aggregate classification (germline): Conflicting classifications of pathogenicity. Review status: criteria provided, conflicting classifications (1 of 4 stars). 3 submissions from 3 submitters: Uncertain significance (2); Likely benign (1). Last evaluated 2025-06-04.

Conditions:
Inborn genetic diseases. Identifiers: MedGen C0950123, MeSH D030342.

Allele frequency attached by ClinVar (database versions not stated): TOPMed 0.00009; gnomAD 0.00011.

Submissions (3):

Labcorp Genetics (formerly Invitae), Labcorp
Classification: Uncertain significance. Last evaluated: 2025-06-04. Review status: criteria provided, single submitter. Criteria: Invitae Variant Classification Sherloc (09022015). Collection method: clinical testing. Allele origin: germline.
Comment: This sequence change replaces threonine, which is neutral and polar, with alanine, which is neutral and non-polar, at codon 230 of the FOXC2 protein (p.Thr230Ala). This variant is present in population databases (rs762323283, gnomAD 0.02%). This variant has not been reported in the literature in individuals affected with FOXC2-related conditions. ClinVar contains an entry for this variant (Variation ID: 2034564). An algorithm developed to predict the effect of missense changes on protein structure and function (PolyPhen-2) suggests that this variant is likely to be tolerated. In summary, the available evidence is currently insufficient to determine the role of this variant in disease. Therefore, it has been classified as a Variant of Uncertain Significance.

Ambry Genetics
Classification: Uncertain significance for Inborn genetic diseases. Last evaluated: 2025-04-15. Review status: criteria provided, single submitter. Criteria: Ambry Variant Classification Scheme 2023. Collection method: clinical testing. Allele origin: germline.

Blueprint Genetics
Classification: Likely benign. Last evaluated: 2024-04-29. Review status: criteria provided, single submitter. Criteria: ACMG Guidelines, 2015. Collection method: clinical testing. Allele origin: germline.

NM_005251.3(FOXC2):c.688A>G (p.Thr230Ala)

Gene: FOXC2 (forkhead box C2; plus strand). Cytogenetic location: 16q24.1.
Variant type: single nucleotide variant.
Coding change: c.688A>G on transcript NM_005251.3 (MANE Select); coding-DNA position 688, A replaced by G.
Protein change: p.Thr230Ala; replaces threonine 230 with alanine.
Molecular consequence: missense variant.
Genome position (GRCh38, 1-based): chr16:86,568,023, A>G. VCF-style: chr16-86568023-A-G. GRCh37 (hg19) VCF-style: chr16-86601629-A-G.
Other names: c.688A>G (NM_005251.2); short protein forms T230A.
Identifiers: ClinVar variation 2034564 (VCV002034564.8), dbSNP rs762323283, ClinGen allele CA8218388.